The following is an entry in ClinVar:

NM_022725.4(FANCF):c.365G>C (p.Arg122Pro)

Gene: FANCF (FA complementation group F; minus strand). Cytogenetic location: 11p14.3.
Variant type: single nucleotide variant.
Coding change: c.365G>C on transcript NM_022725.4 (MANE Select); coding-DNA position 365, G replaced by C.
Protein change: p.Arg122Pro; replaces arginine 122 with proline.
Molecular consequence: missense variant.
Genome position (GRCh38, 1-based): chr11:22,625,446, C>G on the plus strand (G>C on the coding strand, the complement: FANCF is on the minus strand). VCF-style: chr11-22625446-C-G. GRCh37 (hg19) VCF-style: chr11-22646992-C-G.
Other names: short protein forms R122P.
Identifiers: ClinVar variation 3019593 (VCV003019593.4), dbSNP rs773334179, ClinGen allele CA5924357.

ClinVar aggregate classification (germline): Conflicting classifications of pathogenicity. Review status: criteria provided, conflicting classifications (1 of 4 stars). 2 submissions from 2 submitters: Uncertain significance (1); Likely benign (1). Last evaluated 2025-04-12.

Conditions:
Fanconi anemia (FA). Also called: Fanconi's anemia. Identifiers: Orphanet 84, MedGen C0015625, MeSH D005199, MONDO:0019391.
Inborn genetic diseases. Identifiers: MedGen C0950123, MeSH D030342.

Allele frequency attached by ClinVar (database versions not stated): ExAC 0.00001; gnomAD 0.00001; gnomAD exomes 0.00001; TOPMed 0.00001.
gnomAD v4.1: 11 of 1,613,980 alleles (0.00068%); highest among the groups gnomAD compares: African/African-American, 0.0027%; no homozygotes.

Submissions (2):

Ambry Genetics
Classification: Likely benign for Inborn genetic diseases. Last evaluated: 2025-04-12. Review status: criteria provided, single submitter. Criteria: Ambry Variant Classification Scheme 2023. Collection method: clinical testing. Allele origin: germline.

Labcorp Genetics (formerly Invitae), Labcorp
Classification: Uncertain significance for Fanconi anemia. Last evaluated: 2023-05-19. Review status: criteria provided, single submitter. Criteria: Invitae Variant Classification Sherloc (09022015). Collection method: clinical testing. Allele origin: germline.
Comment: In summary, the available evidence is currently insufficient to determine the role of this variant in disease. Therefore, it has been classified as a Variant of Uncertain Significance. Advanced modeling of protein sequence and biophysical properties (such as structural, functional, and spatial information, amino acid conservation, physicochemical variation, residue mobility, and thermodynamic stability) performed at Invitae indicates that this missense variant is not expected to disrupt FANCF protein function. This variant has not been reported in the literature in individuals affected with FANCF-related conditions. This variant is present in population databases (rs773334179, gnomAD 0.007%). This sequence change replaces arginine, which is basic and polar, with proline, which is neutral and non-polar, at codon 122 of the FANCF protein (p.Arg122Pro).